The following is an entry in ClinVar:

ClinVar aggregate classification (germline): Conflicting classifications of pathogenicity. Review status: criteria provided, conflicting classifications (1 of 4 stars). 2 submissions from 2 submitters: Likely pathogenic (1); Uncertain significance (1). Last evaluated 2025-09-25.

Submissions (2):

GeneDx
Classification: Likely pathogenic. Last evaluated: 2025-09-25. Review status: criteria provided, single submitter. Criteria: GeneDx Variant Classification Process June 2021. Collection method: clinical testing. Allele origin: germline. Affected: yes.
Comment: Not observed at significant frequency in large population cohorts (gnomAD); In silico analysis supports a deleterious effect on protein structure/function; Has not been previously published as pathogenic or benign to our knowledge; In-frame deletion of six amino acids in a non-repeat region

Labcorp Genetics (formerly Invitae), Labcorp
Classification: Uncertain significance. Last evaluated: 2025-04-02. Review status: criteria provided, single submitter. Criteria: Invitae Variant Classification Sherloc (09022015). Collection method: clinical testing. Allele origin: germline.
Comment: This variant, c.57_74del, results in the deletion of 6 amino acid(s) of the SMARCB1 protein (p.Glu20_Phe25del), but otherwise preserves the integrity of the reading frame. This variant is not present in population databases (gnomAD no frequency). This variant has not been reported in the literature in individuals affected with SMARCB1-related conditions. ClinVar contains an entry for this variant (Variation ID: 1391465). Experimental studies and prediction algorithms are not available or were not evaluated, and the functional significance of this variant is currently unknown. In summary, the available evidence is currently insufficient to determine the role of this variant in disease. Therefore, it has been classified as a Variant of Uncertain Significance.

NM_003073.5(SMARCB1):c.57_74del (p.Glu20_Phe25del)

Gene: SMARCB1 (SWI/SNF related BAF chromatin remodeling complex subunit B1; plus strand). Cytogenetic location: 22q11.23.
Variant type: Deletion.
Coding change: c.57_74del on transcript NM_003073.5 (MANE Select); coding-DNA positions 57 to 74, 18 bases deleted (GGAGGACGACGGCGAGTT).
Protein change: p.Glu20_Phe25del.
Molecular consequence: inframe deletion.
Genome position (GRCh38, 1-based): chr22:23,787,226-23,787,243, GGAGGACGACGGCGAGTT deleted; deleting any 18 consecutive bases within chr22:23,787,225-23,787,243 gives the same sequence; the c. name uses the placement nearest the transcript's 3' end. VCF-style (leftmost placement, unchanged base first): chr22-23787224-CTGGAGGACGACGGCGAGT-C. GRCh37 (hg19) VCF-style: chr22-24129411-CTGGAGGACGACGGCGAGT-C.
Other names: c.57_74del, p.Glu20_Phe25del (NM_001007468.3, NM_001317946.2, NM_001362877.2); c.57_74del (NM_003073.3).
Identifiers: ClinVar variation 1391465 (VCV001391465.8), dbSNP rs2145952071, ClinGen allele CA2573157755.